The following is an entry in ClinVar:

ClinVar aggregate classification (germline): Uncertain significance. Review status: criteria provided, multiple submitters, no conflicts (2 of 4 stars). 4 submissions from 4 submitters: Uncertain significance (3). 1 of the submissions does not count toward it. Last evaluated 2025-02-05.

Conditions:
Dyskeratosis congenita. Identifiers: Orphanet 1775, MedGen C0265965, MONDO:0015780.
Pulmonary fibrosis and/or bone marrow failure, Telomere-related, 3. Also called: PULMONARY FIBROSIS AND/OR BONE MARROW FAILURE SYNDROME, TELOMERE-RELATED, 3. Identifiers: Orphanet 2032, MedGen C4225346, MONDO:0014613, OMIM 616373.
Dyskeratosis congenita, autosomal recessive 5 (DKCB5). Identifiers: MedGen C3554656, MONDO:0014076, OMIM 615190.

Allele frequency attached by ClinVar (database versions not stated): gnomAD below 0.00001 and 0.00001; TOPMed below 0.00001; gnomAD exomes 0.00002; ExAC 0.00003.
gnomAD v4.1: 13 of 1,612,314 alleles (0.00081%); highest among the groups gnomAD compares: Admixed American, 0.01%; no homozygotes.

Submissions (4):

GeneDx
Classification: Uncertain significance. Last evaluated: 2025-02-05. Review status: criteria provided, single submitter. Criteria: GeneDx Variant Classification Process June 2021. Collection method: clinical testing. Allele origin: germline. Affected: yes.
Comment: In silico analysis indicates that this variant does not alter splicing; Has not been previously published as pathogenic or benign to our knowledge

Labcorp Genetics (formerly Invitae), Labcorp
Classification: Uncertain significance for Dyskeratosis congenita, autosomal recessive 5; Pulmonary fibrosis and/or bone marrow failure, Telomere-related, 3. Last evaluated: 2025-01-20. Review status: criteria provided, single submitter. Criteria: Invitae Variant Classification Sherloc (09022015). Collection method: clinical testing. Allele origin: germline.
Comment: This sequence change falls in intron 29 of the RTEL1 gene. It does not directly change the encoded amino acid sequence of the RTEL1 protein. It affects a nucleotide within the consensus splice site. This variant is present in population databases (rs751450627, gnomAD 0.01%). This variant has been observed in individual(s) with Dyskeratosis congenita (internal data). ClinVar contains an entry for this variant (Variation ID: 577067). Variants that disrupt the consensus splice site are a relatively common cause of aberrant splicing (PMID: 17576681, 9536098). Algorithms developed to predict the effect of sequence changes on RNA splicing suggest that this variant is not likely to affect RNA splicing. In summary, the available evidence is currently insufficient to determine the role of this variant in disease. Therefore, it has been classified as a Variant of Uncertain Significance.

Fulgent Genetics
Classification: Uncertain significance for Dyskeratosis congenita, autosomal recessive 5; Pulmonary fibrosis and/or bone marrow failure, Telomere-related, 3. Last evaluated: 2024-04-24. Review status: criteria provided, single submitter. Criteria: ACMG Guidelines, 2015. Collection method: clinical testing. Allele origin: germline.

Natera, Inc.
Classification: Uncertain significance for Dyskeratosis congenita. Last evaluated: 2019-11-11. Review status: no assertion criteria provided. Collection method: clinical testing. Allele origin: germline. Not counted in ClinVar's aggregate classification.

Literature cited by the submitters: PubMed 17576681 (cited by Labcorp Genetics (formerly Invitae), Labcorp); PubMed 9536098 (cited by Labcorp Genetics (formerly Invitae), Labcorp).

NM_001283009.2(RTEL1):c.2851+4C>T

Genes: RTEL1 (regulator of telomere elongation helicase 1; plus strand), RTEL1-TNFRSF6B (RTEL1-TNFRSF6B readthrough (NMD candidate); plus strand). Cytogenetic location: 20q13.33.
Variant type: single nucleotide variant.
Coding change: c.2851+4C>T on transcript NM_001283009.2 (MANE Select); 4 bases into the intron after coding-DNA position 2851, C replaced by T.
Molecular consequence: intron variant.
Genome position (GRCh38, 1-based): chr20:63,693,007, C>T. VCF-style: chr20-63693007-C-T. GRCh37 (hg19) VCF-style: chr20-62324360-C-T.
Other names: c.2182+4C>T (NM_001283010.1); c.2923+4C>T (NM_032957.5); c.2851+4C>T (NM_016434.4).
Identifiers: ClinVar variation 577067 (VCV000577067.9), dbSNP rs751450627, ClinGen allele CA9965577.
Genomic context (GRCh38, chr20:63,693,007, plus strand): 5'-CCGCCTGTCTCGGCCCCCTCTTTGCTGAGGACCCCAAGAAGCACAACCTGCTCCAAGGTG[C>T]CCTGGCTTGCAGAGGCCACCCACCCTGAGGGCAGTGCTGCCGCCGCGTGTGGGGTGGGGG-3'